The following is an entry in ClinVar:

NM_007194.4(CHEK2):c.137T>C (p.Met46Thr)

Gene: CHEK2 (checkpoint kinase 2; minus strand). Cytogenetic location: 22q12.1.
Variant type: single nucleotide variant.
Coding change: c.137T>C on transcript NM_007194.4 (MANE Select); coding-DNA position 137, T replaced by C.
Protein change: p.Met46Thr; replaces methionine 46 with threonine.
Molecular consequence: missense variant. On other transcripts: 5 prime UTR variant (1), intron variant (1).
Genome position (GRCh38, 1-based): chr22:28,734,585, A>G on the plus strand (T>C on the coding strand, the complement: CHEK2 is on the minus strand). VCF-style: chr22-28734585-A-G. GRCh37 (hg19) VCF-style: chr22-29130573-A-G.
Other names: c.137T>C, p.Met46Thr (NM_001005735.3, NM_001349956.3, NM_001438293.1 and 3 more transcripts); c.-641T>C (NM_001257387.3); c.-345+7184T>C (NM_001437942.1); short protein forms M46T.
Identifiers: ClinVar variation 4868936 (VCV004868936.1).

ClinVar aggregate classification (germline): Uncertain significance (1 of 4 stars; one submission).

Conditions:
Hereditary cancer-predisposing syndrome. Also called: Neoplastic Syndromes, Hereditary; Tumor predisposition; Hereditary Cancer Syndrome; Hereditary neoplastic syndrome. Identifiers: Orphanet 140162, MedGen C0027672, MeSH D009386, MONDO:0015356.

Submission:

Ambry Genetics
Classification: Uncertain significance for Hereditary cancer-predisposing syndrome. Last evaluated: 2026-04-28. Review status: criteria provided, single submitter. Criteria: Ambry Variant Classification Scheme 2023. Collection method: clinical testing. Allele origin: germline.
Comment: The p.M46T variant (also known as c.137T>C), located in coding exon 1 of the CHEK2 gene, results from a T to C substitution at nucleotide position 137. The methionine at codon 46 is replaced by threonine, an amino acid with similar properties. This amino acid position is conserved. In addition, this alteration is predicted to be tolerated by in silico analysis. Based on the available evidence, the clinical significance of this variant remains unclear.